The following is an entry in ClinVar:

NM_001374736.1(DST):c.12720_12724del (p.Tyr4240_Lys4242delinsTer)

Gene: DST (dystonin; minus strand). Cytogenetic location: 6p12.1.
Variant type: Microsatellite.
Coding change: c.12720_12724del on transcript NM_001374736.1 (MANE Select); coding-DNA positions 12720 to 12724, 5 bases deleted (CTCTA; older notation c.12720_12724delCTCTA).
Protein change: p.Tyr4240_Lys4242delinsTer.
Molecular consequence: nonsense.
Genome position (GRCh38, 1-based): chr6:56,593,665-56,593,669, TAGAG deleted on the plus strand (CTCTA on the coding strand, the reverse complement: DST is on the minus strand); deleting any 5 consecutive bases within chr6:56,593,665-56,593,674 gives the same sequence; the c. name uses the placement nearest the transcript's 3' end. VCF-style (leftmost placement, unchanged base first): chr6-56593664-TTAGAG-T. GRCh37 (hg19) VCF-style: chr6-56458462-TTAGAG-T.
Other names: c.6363_6367del, p.Tyr2121_Lys2123delinsTer (NM_001144769.5); c.5949_5953del, p.Tyr1983_Lys1985delinsTer (NM_001144770.2); c.12720_12724del, p.Tyr4240_Lys4242delinsTer (NM_001374722.1); c.12087_12091del, p.Tyr4029_Lys4031delinsTer (NM_001374729.1); c.5829_5833del, p.Tyr1943_Lys1945delinsTer (NM_001374730.1, NM_001386100.1, NM_183380.4); c.12747_12751del, p.Tyr4249_Lys4251delinsTer (NM_001374734.1); c.4851_4855del, p.Tyr1617_Lys1619delinsTer (NM_015548.5).
Identifiers: ClinVar variation 2107648 (VCV002107648.4), dbSNP rs2536154366, ClinGen allele CA2580617269.
Genomic context (GRCh38, chr6:56,593,664, plus strand): 5'-ATAATTGAAAACTATAATTGCAGATTGACTTTTCCCTTAAAAAATCAAAATAACATTACC[TTAGAG>T]TAGAGAGACCTGAACCGATCAGTAGCATGATCCAACTTGCGCTGCACTTCTCTGTGGGTT-3'

ClinVar aggregate classification (germline): Pathogenic (1 of 4 stars; one submission).

Conditions:
Epidermolysis bullosa simplex 3, localized or generalized intermediate, with BP230 deficiency (EBS3). Also called: Epidermolysis bullosa simplex due to BP230 deficiency; Epidermolysis bullosa simplex, autosomal recessive 2. Identifiers: Orphanet 412181, MedGen C3809470, MONDO:0014180, OMIM 615425.
Hereditary sensory and autonomic neuropathy type 6. Also called: Neuropathy, hereditary sensory and autonomic, type VI; HSAN VI. Identifiers: Orphanet 314381, MedGen C3539003, MONDO:0013839, OMIM 614653.

Submission:

Labcorp Genetics (formerly Invitae), Labcorp
Classification: Pathogenic for Epidermolysis bullosa simplex 3, localized or generalized intermediate, with BP230 deficiency; Hereditary sensory and autonomic neuropathy type 6. Last evaluated: 2022-03-08. Review status: criteria provided, single submitter. Criteria: Invitae Variant Classification Sherloc (09022015). Collection method: clinical testing. Allele origin: germline.
Comment: For these reasons, this variant has been classified as Pathogenic. This variant has not been reported in the literature in individuals affected with DST-related conditions. This variant is not present in population databases (gnomAD no frequency). This sequence change creates a premature translational stop signal (p.Tyr1617*) in the DST gene. It is expected to result in an absent or disrupted protein product. Loss-of-function variants in DST are known to be pathogenic (PMID: 22522446, 25059916, 30371979). The DST gene has multiple clinically relevant transcripts. This variant occurs in alternate transcript NM_015548.4, and corresponds to NM_001723.5:c.*21848_*21852del in the primary transcript.

Literature cited by the submitters: PubMed 22522446; PubMed 25059916; PubMed 30371979.